The following is an entry in ClinVar:

NM_000094.4(COL7A1):c.8394G>T (p.Met2798Ile)

Gene: COL7A1 (collagen type VII alpha 1 chain; minus strand). Cytogenetic location: 3p21.31.
Variant type: single nucleotide variant.
Coding change: c.8394G>T on transcript NM_000094.4 (MANE Select); coding-DNA position 8394, G replaced by T.
Protein change: p.Met2798Ile; replaces methionine 2798 with isoleucine.
Molecular consequence: missense variant.
Genome position (GRCh38, 1-based): chr3:48,566,280, C>A on the plus strand (G>T on the coding strand, the complement: COL7A1 is on the minus strand). VCF-style: chr3-48566280-C-A. GRCh37 (hg19) VCF-style: chr3-48603713-C-A.
Other names: short protein forms M2798I.
Identifiers: ClinVar variation 3902428 (VCV003902428.1).

ClinVar aggregate classification (germline): Uncertain significance (1 of 4 stars; one submission).

Submission:

Women's Health and Genetics/Laboratory Corporation of America, LabCorp
Classification: Uncertain significance. Last evaluated: 2025-05-07. Review status: criteria provided, single submitter. Criteria: LabCorp Variant Classification Summary - May 2015. Collection method: clinical testing. Allele origin: germline.
Comment: Variant summary: COL7A1 c.8394G>T (p.Met2798Ile) results in a conservative amino acid change in the encoded protein sequence. Algorithms developed to predict the effect of missense changes on protein structure and function are either unavailable or do not agree on the potential impact of this missense change. The variant was absent in 230376 control chromosomes (gnomAD). The available data on variant occurrences in the general population are insufficient to allow any conclusion about variant significance. To our knowledge, no occurrence of c.8394G>T in individuals affected with Dystrophic Epidermolysis Bullosa, Recessive and no experimental evidence demonstrating its impact on protein function have been reported. A different variant affecting the same codon has been classified as likely pathogenic/pathogenic by our lab (c.8393T>A, p.Met2798Lys). No submitters have cited clinical-significance assessments for this variant to ClinVar. Based on the evidence outlined above, the variant was classified as uncertain significance.